The following is an entry in ClinVar:

ClinVar aggregate classification (germline): Uncertain significance (1 of 4 stars; one submission).

Submission:

GeneDx
Classification: Uncertain significance. Last evaluated: 2019-10-06. Review status: criteria provided, single submitter. Criteria: GeneDx Variant Classification Process June 2021. Collection method: clinical testing. Allele origin: germline. Affected: yes.
Comment: Not observed in large population cohorts (Lek et al., 2016); In silico analysis, which includes splice predictors and evolutionary conservation, supports that this variant does not alter protein structure/function; Has not been previously published as pathogenic or benign to our knowledge

NM_000701.8(ATP1A1):c.1886A>G (p.Lys629Arg)

Genes: ATP1A1 (ATPase Na+/K+ transporting subunit alpha 1; plus strand), ATP1A1-AS1 (ATP1A1 antisense RNA 1; minus strand). Cytogenetic location: 1p13.1.
Variant type: single nucleotide variant.
Coding change: c.1886A>G on transcript NM_000701.8 (MANE Select); coding-DNA position 1886, A replaced by G.
Protein change: p.Lys629Arg; replaces lysine 629 with arginine.
Molecular consequence: missense variant.
Genome position (GRCh38, 1-based): chr1:116,396,647, A>G. VCF-style: chr1-116396647-A-G. GRCh37 (hg19) VCF-style: chr1-116939269-A-G.
Other names: c.1886A>G, p.Lys629Arg (NM_001160233.2); c.1793A>G, p.Lys598Arg (NM_001160234.2); short protein forms K598R, K629R.
Identifiers: ClinVar variation 1308816 (VCV001308816.2), dbSNP rs2101057932, ClinGen allele CA341772125.